The following is an entry in ClinVar:

ClinVar aggregate classification (germline): Uncertain significance (1 of 4 stars; one submission).

gnomAD v4.1: 1 of 1,208,459 alleles (0.000083%); highest among the groups gnomAD compares: Non-Finnish European, 0.00011%; no homozygotes.

Submission:

GeneDx
Classification: Uncertain significance. Last evaluated: 2024-01-30. Review status: criteria provided, single submitter. Criteria: GeneDx Variant Classification Process June 2021. Collection method: clinical testing. Allele origin: germline. Affected: yes.
Comment: Not observed at significant frequency in large population cohorts (gnomAD); In silico analysis supports that this missense variant does not alter protein structure/function; Has not been previously published as pathogenic or benign to our knowledge

NM_006950.3(SYN1):c.1207A>G (p.Lys403Glu)

Gene: SYN1 (synapsin I; minus strand). Cytogenetic location: Xp11.3.
Variant type: single nucleotide variant.
Coding change: c.1207A>G on transcript NM_006950.3 (MANE Select); coding-DNA position 1207, A replaced by G.
Protein change: p.Lys403Glu; replaces lysine 403 with glutamic acid.
Molecular consequence: missense variant.
Genome position (GRCh38, 1-based): chrX:47,575,226, T>C on the plus strand (A>G on the coding strand, the complement: SYN1 is on the minus strand). VCF-style: chrX-47575226-T-C. GRCh37 (hg19) VCF-style: chrX-47434625-T-C.
Other names: c.1207A>G, p.Lys403Glu (NM_133499.2); short protein forms K403E.
Identifiers: ClinVar variation 3368553 (VCV003368553.1).